The following is an entry in ClinVar:

NM_020937.4(FANCM):c.2530C>T (p.His844Tyr)

Gene: FANCM (FA complementation group M; plus strand). Cytogenetic location: 14q21.2.
Variant type: single nucleotide variant.
Coding change: c.2530C>T on transcript NM_020937.4 (MANE Select); coding-DNA position 2530, C replaced by T.
Protein change: p.His844Tyr; replaces histidine 844 with tyrosine.
Molecular consequence: missense variant.
Genome position (GRCh38, 1-based): chr14:45,175,284, C>T. VCF-style: chr14-45175284-C-T. GRCh37 (hg19) VCF-style: chr14-45644487-C-T.
Other names: c.2452C>T, p.His818Tyr (NM_001308133.2); c.2530C>T (NM_020937.2); short protein forms H818Y, H844Y.
Identifiers: ClinVar variation 1055039 (VCV001055039.9), dbSNP rs2139242067, ClinGen allele CA389598049.
Genomic context (GRCh38, chr14:45,175,284, plus strand): 5'-GGCAGTTCATCCTCAGTGATAGAATCTGATGAAGAATGTGCTGAAATTGTTAAACAAACT[C>T]ATATCAAACCTACTAAAATTGTTTCTTTAAAGAAAAAAGTGTCTAAAGAAATAAAAAAAG-3'
Protein context (NP_065988.1, residues 834-854): EECAEIVKQT[His844Tyr]IKPTKIVSLK

ClinVar aggregate classification (germline): Uncertain significance. Review status: criteria provided, multiple submitters, no conflicts (2 of 4 stars). 3 submissions from 3 submitters: Uncertain significance (3). Last evaluated 2024-04-30.

Conditions:
Spermatogenic failure 28. Identifiers: MedGen C4748117, MONDO:0054732, OMIM 618086.
Premature ovarian failure 15. Identifiers: MedGen C4748170, MONDO:0054862, OMIM 618096.
Fanconi anemia (FA). Also called: Fanconi's anemia. Identifiers: Orphanet 84, MedGen C0015625, MeSH D005199, MONDO:0019391.

Allele frequency attached by ClinVar (database versions not stated): gnomAD exomes below 0.00001.
gnomAD v4.1: 3 of 1,584,922 alleles (0.00019%); highest among the groups gnomAD compares: Non-Finnish European, 0.00026%; no homozygotes.

Submissions (3):

GeneDx
Classification: Uncertain significance. Last evaluated: 2024-04-30. Review status: criteria provided, single submitter. Criteria: GeneDx Variant Classification Process June 2021. Collection method: clinical testing. Allele origin: germline. Affected: yes.
Comment: Not observed at significant frequency in large population cohorts (gnomAD); In silico analysis indicates that this missense variant does not alter protein structure/function; Has not been previously published as pathogenic or benign to our knowledge

Fulgent Genetics
Classification: Uncertain significance for Spermatogenic failure 28; Premature ovarian failure 15. Last evaluated: 2021-12-14. Review status: criteria provided, single submitter. Criteria: ACMG Guidelines, 2015. Collection method: clinical testing. Allele origin: unknown.

Labcorp Genetics (formerly Invitae), Labcorp
Classification: Uncertain significance for Fanconi anemia. Last evaluated: 2020-02-24. Review status: criteria provided, single submitter. Criteria: Invitae Variant Classification Sherloc (09022015). Collection method: clinical testing. Allele origin: germline.
Comment: In summary, the available evidence is currently insufficient to determine the role of this variant in disease. Therefore, it has been classified as a Variant of Uncertain Significance. Algorithms developed to predict the effect of missense changes on protein structure and function (SIFT, PolyPhen-2, Align-GVGD) all suggest that this variant is likely to be tolerated, but these predictions have not been confirmed by published functional studies and their clinical significance is uncertain. This variant has not been reported in the literature in individuals with FANCM-related conditions. This variant is not present in population databases (ExAC no frequency). This sequence change replaces histidine with tyrosine at codon 844 of the FANCM protein (p.His844Tyr). The histidine residue is weakly conserved and there is a moderate physicochemical difference between histidine and tyrosine.